The following is an entry in ClinVar:

NM_033448.3(KRT71):c.137G>A (p.Arg46Gln)

Gene: KRT71 (keratin 71; minus strand). Cytogenetic location: 12q13.13.
Variant type: single nucleotide variant.
Coding change: c.137G>A on transcript NM_033448.3 (MANE Select); coding-DNA position 137, G replaced by A.
Protein change: p.Arg46Gln; replaces arginine 46 with glutamine.
Molecular consequence: missense variant.
Genome position (GRCh38, 1-based): chr12:52,552,941, C>T on the plus strand (G>A on the coding strand, the complement: KRT71 is on the minus strand). VCF-style: chr12-52552941-C-T. GRCh37 (hg19) VCF-style: chr12-52946725-C-T.
Other names: c.137G>A (NM_033448.2); short protein forms R46Q.
Identifiers: ClinVar variation 3636295 (VCV003636295.3).

ClinVar aggregate classification (germline): Uncertain significance. Review status: criteria provided, multiple submitters, no conflicts (2 of 4 stars). 2 submissions from 2 submitters: Uncertain significance (2). Last evaluated 2025-03-31.

Submissions (2):

Ambry Genetics
Classification: Uncertain significance. Last evaluated: 2025-03-31. Review status: criteria provided, single submitter. Criteria: Ambry Variant Classification Scheme 2023. Collection method: clinical testing. Allele origin: germline.

Labcorp Genetics (formerly Invitae), Labcorp
Classification: Uncertain significance. Last evaluated: 2024-06-01. Review status: criteria provided, single submitter. Criteria: Invitae Variant Classification Sherloc (09022015). Collection method: clinical testing. Allele origin: germline.
Comment: This sequence change replaces arginine, which is basic and polar, with glutamine, which is neutral and polar, at codon 46 of the KRT71 protein (p.Arg46Gln). This variant is present in population databases (rs536693285, gnomAD 0.06%), and has an allele count higher than expected for a pathogenic variant. This variant has not been reported in the literature in individuals affected with KRT71-related conditions. An algorithm developed to predict the effect of missense changes on protein structure and function (PolyPhen-2) suggests that this variant is likely to be tolerated. In summary, the available evidence is currently insufficient to determine the role of this variant in disease. Therefore, it has been classified as a Variant of Uncertain Significance.